The following is an entry in ClinVar:

NM_016169.4(SUFU):c.1083T>G (p.Ile361Met)

Gene: SUFU (SUFU negative regulator of hedgehog signaling; plus strand). Cytogenetic location: 10q24.32.
Variant type: single nucleotide variant.
Coding change: c.1083T>G on transcript NM_016169.4 (MANE Select); coding-DNA position 1083, T replaced by G.
Protein change: p.Ile361Met; replaces isoleucine 361 with methionine.
Molecular consequence: missense variant.
Genome position (GRCh38, 1-based): chr10:102,615,328, T>G. VCF-style: chr10-102615328-T-G. GRCh37 (hg19) VCF-style: chr10-104375085-T-G.
Other names: c.1083T>G, p.Ile361Met (NM_001178133.2); short protein forms I361M.
Identifiers: ClinVar variation 822133 (VCV000822133.16), dbSNP rs1590082200, ClinGen allele CA377914058.

ClinVar aggregate classification (germline): Uncertain significance. Review status: criteria provided, multiple submitters, no conflicts (2 of 4 stars). 3 submissions from 3 submitters: Uncertain significance (3). Last evaluated 2025-11-02.

Conditions:
Gorlin syndrome. Also called: Nevoid Basal Cell Carcinoma Syndrome; Basal cell nevus syndrome. Identifiers: Orphanet 377, MedGen C0004779, MONDO:0007187.
Medulloblastoma (MDB). Also called: Medulloblastoma, somatic; MEDULLOBLASTOMA PREDISPOSITION SYNDROME. Identifiers: Orphanet 616, MedGen C0025149, MeSH D008527, MONDO:0007959, OMIM 155255, HP:0002885.
Hereditary cancer-predisposing syndrome. Also called: Hereditary Cancer Syndrome; Neoplastic Syndromes, Hereditary; Hereditary neoplastic syndrome; Tumor predisposition. Identifiers: Orphanet 140162, MedGen C0027672, MeSH D009386, MONDO:0015356.

Submissions (3):

Labcorp Genetics (formerly Invitae), Labcorp
Classification: Uncertain significance for Gorlin syndrome; Medulloblastoma. Last evaluated: 2025-11-02. Review status: criteria provided, single submitter. Criteria: Invitae Variant Classification Sherloc (09022015). Collection method: clinical testing. Allele origin: germline.
Comment: This sequence change replaces isoleucine, which is neutral and non-polar, with methionine, which is neutral and non-polar, at codon 361 of the SUFU protein (p.Ile361Met). This variant is not present in population databases (gnomAD no frequency). This variant has not been reported in the literature in individuals affected with SUFU-related conditions. ClinVar contains an entry for this variant (Variation ID: 822133). Invitae Evidence Modeling of protein sequence and biophysical properties (such as structural, functional, and spatial information, amino acid conservation, physicochemical variation, residue mobility, and thermodynamic stability) indicates that this missense variant is not expected to disrupt SUFU protein function with a negative predictive value of 80%. In summary, the available evidence is currently insufficient to determine the role of this variant in disease. Therefore, it has been classified as a Variant of Uncertain Significance.

Ambry Genetics
Classification: Uncertain significance for Hereditary cancer-predisposing syndrome. Last evaluated: 2023-04-05. Review status: criteria provided, single submitter. Criteria: Ambry Variant Classification Scheme 2023. Collection method: clinical testing. Allele origin: germline.
Comment: The p.I361M variant (also known as c.1083T>G), located in coding exon 9 of the SUFU gene, results from a T to G substitution at nucleotide position 1083. The isoleucine at codon 361 is replaced by methionine, an amino acid with highly similar properties. This amino acid position is not well conserved in available vertebrate species. In addition, this alteration is predicted to be tolerated by in silico analysis. Since supporting evidence is limited at this time, the clinical significance of this alteration remains unclear.

Quest Diagnostics Nichols Institute San Juan Capistrano
Classification: Uncertain significance. Last evaluated: 2022-09-21. Review status: criteria provided, single submitter. Criteria: Quest Diagnostics criteria. Collection method: clinical testing. Allele origin: unknown.
Comment: The variant has not been reported in the published literature. It also has not been reported in large, multi-ethnic general populations. Analysis of this variant using bioinformatics tools for the prediction of the effect of amino acid changes on protein structure and function yielded predictions that this variant is benign. Based on the available information, we are unable to determine the clinical significance of this variant.